The following is an entry in ClinVar:

NM_016604.4(KDM3B):c.1299A>T (p.Thr433=)

Gene: KDM3B (lysine demethylase 3B; plus strand). Cytogenetic location: 5q31.2.
Variant type: single nucleotide variant.
Coding change: c.1299A>T on transcript NM_016604.4 (MANE Select); coding-DNA position 1299, A replaced by T.
Protein change: p.Thr433=; no amino-acid change (threonine 433 retained).
Molecular consequence: synonymous variant.
Genome position (GRCh38, 1-based): chr5:138,386,540, A>T. VCF-style: chr5-138386540-A-T. GRCh37 (hg19) VCF-style: chr5-137722229-A-T.
Identifiers: ClinVar variation 1690492 (VCV001690492.2), dbSNP rs1211444657, ClinGen allele CA446790162.
Genomic context (GRCh38, chr5:138,386,540, plus strand): 5'-TGGCCAGGGCATAGTGGCTTCCGCAGCTGTGGTCACTACCGCCAGCTCCACCCCAAACAC[A>T]GTGAGGATCTCAGACACTGGCCTTGCAGCAGGGACTGTGCCAGAAAAACAGAAAGGCAGC-3'
Protein context (NP_057688.3, residues 423-443): VVTTASSTPN[Thr433=]VRISDTGLAA

ClinVar aggregate classification (germline): Uncertain significance (1 of 4 stars; one submission).

Submission:

Laboratorio de Genetica e Diagnostico Molecular, Hospital Israelita Albert Einstein
Classification: Uncertain significance. Last evaluated: 2021-11-17. Review status: criteria provided, single submitter. Criteria: ACMG Guidelines, 2015. Collection method: clinical testing. Allele origin: germline. Affected: yes.
Comment: ACMG classification criteria: PM2